The following is an entry in ClinVar:

ClinVar aggregate classification (germline): Likely benign. Review status: criteria provided, multiple submitters, no conflicts (2 of 4 stars). 2 submissions from 2 submitters: Likely benign (2). Last evaluated 2025-03-01.

Allele frequency attached by ClinVar (database versions not stated): gnomAD exomes 0.00006; TOPMed 0.00006; ExAC 0.00009; gnomAD 0.00009; ESP Exome Variant Server 0.00015.
gnomAD v4.1: 99 of 1,614,108 alleles (0.0061%); highest among the groups gnomAD compares: South Asian, 0.026%; no homozygotes.

Submissions (2):

CeGaT Center for Human Genetics Tuebingen
Classification: Likely benign. Last evaluated: 2025-03-01. Review status: criteria provided, single submitter. Criteria: CeGaT Center For Human Genetics Tuebingen Variant Classification Criteria Version 2. Collection method: clinical testing. Allele origin: germline. Affected: yes. Observed: 1 variant allele.
Comment: TECTA: BP4, BP7

Laboratory for Molecular Medicine, Mass General Brigham Personalized Medicine
Classification: Likely benign. Last evaluated: 2012-04-30. Review status: criteria provided, single submitter. Criteria: LMM Criteria. Collection method: clinical testing. Allele origin: germline. Observed: 1 variant allele.
Comment: Asp858Asp in Exon 09 of TECTA: This variant is not expected to have clinical sig nificance because it does not alter an amino acid residue, is not located within the splice consensus sequence, and has been identified in 2/7020 European Ameri can chromosomes from a broad population by the NHLBI Exome Sequencing Project (dbSNP rs150564356).

NM_005422.4(TECTA):c.2574C>T (p.Asp858=)

Genes: TBCEL-TECTA (TBCEL-TECTA readthrough; plus strand), TECTA (tectorin alpha; plus strand), LOC126861365 (P300/CBP strongly-dependent group 1 enhancer GRCh37_chr11:121000154-121001353; plus strand). Cytogenetic location: 11q23.3.
Variant type: single nucleotide variant.
Coding change: c.2574C>T on transcript NM_005422.4 (MANE Select); coding-DNA position 2574, C replaced by T.
Protein change: p.Asp858=; no amino-acid change (aspartic acid 858 retained).
Molecular consequence: synonymous variant.
Genome position (GRCh38, 1-based): chr11:121,129,844, C>T. VCF-style: chr11-121129844-C-T. GRCh37 (hg19) VCF-style: chr11-121000553-C-T.
Other names: c.3531C>T, p.Asp1177= (NM_001378761.1).
Identifiers: ClinVar variation 178537 (VCV000178537.12), dbSNP rs150564356, ClinGen allele CA182515.